The following is an entry in ClinVar:

ClinVar aggregate classification (germline): Uncertain significance. Review status: criteria provided, multiple submitters, no conflicts (2 of 4 stars). 3 submissions from 3 submitters: Uncertain significance (2). 1 of the submissions does not count toward it. Last evaluated 2025-02-18.

Conditions:
IFT74-related disorder. Also called: IFT74-related condition; IFT74-Related Disorders.
Joubert syndrome 40. Identifiers: MedGen C5562007, MONDO:0030462, OMIM 619582.
Inborn genetic diseases. Identifiers: MedGen C0950123, MeSH D030342.

Allele frequency attached by ClinVar (database versions not stated): ExAC 0.00002.
gnomAD v4.1: 14 of 1,571,550 alleles (0.00089%); highest among the groups gnomAD compares: African/African-American, 0.0042%; no homozygotes.

Submissions (3):

Ambry Genetics
Classification: Uncertain significance for Inborn genetic diseases. Last evaluated: 2025-02-18. Review status: criteria provided, single submitter. Criteria: Ambry Variant Classification Scheme 2023. Collection method: clinical testing. Allele origin: germline.

Labcorp Genetics (formerly Invitae), Labcorp
Classification: Uncertain significance. Last evaluated: 2022-06-18. Review status: criteria provided, single submitter. Criteria: Invitae Variant Classification Sherloc (09022015). Collection method: clinical testing. Allele origin: germline.
Comment: This sequence change replaces arginine, which is basic and polar, with cysteine, which is neutral and slightly polar, at codon 448 of the IFT74 protein (p.Arg448Cys). The frequency data for this variant in the population databases is considered unreliable, as metrics indicate poor data quality at this position in the gnomAD database. This variant has not been reported in the literature in individuals affected with IFT74-related conditions. Algorithms developed to predict the effect of missense changes on protein structure and function output the following: SIFT: "Deleterious"; PolyPhen-2: "Benign"; Align-GVGD: "Class C0". The cysteine amino acid residue is found in multiple mammalian species, which suggests that this missense change does not adversely affect protein function. In summary, the available evidence is currently insufficient to determine the role of this variant in disease. Therefore, it has been classified as a Variant of Uncertain Significance.

PreventionGenetics, part of Exact Sciences
Classification: Uncertain significance for IFT74-related condition. Last evaluated: 2024-06-03. Review status: no assertion criteria provided. Collection method: clinical testing. Allele origin: germline. Not counted in ClinVar's aggregate classification.
Comment: The IFT74 c.1342C>T variant is predicted to result in the amino acid substitution p.Arg448Cys. To our knowledge, this variant has not been reported in the literature. This variant is reported in 0.0026% of alleles in individuals of European (Non-Finnish) descent in gnomAD. At this time, the clinical significance of this variant is uncertain due to the absence of conclusive functional and genetic evidence.

NM_025103.4(IFT74):c.1342C>T (p.Arg448Cys)

Gene: IFT74 (intraflagellar transport 74; plus strand). Cytogenetic location: 9p21.2.
Variant type: single nucleotide variant.
Coding change: c.1342C>T on transcript NM_025103.4 (MANE Select); coding-DNA position 1342, C replaced by T.
Protein change: p.Arg448Cys; replaces arginine 448 with cysteine.
Molecular consequence: missense variant.
Genome position (GRCh38, 1-based): chr9:27,055,617, C>T. VCF-style: chr9-27055617-C-T. GRCh37 (hg19) VCF-style: chr9-27055615-C-T.
Other names: c.1342C>T, p.Arg448Cys (NM_001099222.3, NM_001099223.3, NM_001349928.2); c.1342C>T (NM_025103.2, NM_001099222.1); short protein forms R448C.
Identifiers: ClinVar variation 2184093 (VCV002184093.4), dbSNP rs775945301, ClinGen allele CA5015650.